The following is an entry in ClinVar:

ClinVar aggregate classification (germline): Pathogenic/Likely pathogenic. Review status: criteria provided, multiple submitters, no conflicts (2 of 4 stars). 2 submissions from 2 submitters: Pathogenic (1); Likely pathogenic (1). Last evaluated 2024-02-19.

Conditions:
DNAH11-related disorders.
Primary ciliary dyskinesia. Also called: Ciliary dyskinesia. Identifiers: Orphanet 244, MedGen C0008780, MONDO:0016575, HP:0012265.

Submissions (2):

Labcorp Genetics (formerly Invitae), Labcorp
Classification: Pathogenic for Primary ciliary dyskinesia. Last evaluated: 2024-02-19. Review status: criteria provided, single submitter. Criteria: Invitae Variant Classification Sherloc (09022015). Collection method: clinical testing. Allele origin: germline.
Comment: This sequence change creates a premature translational stop signal (p.Glu3097Argfs*37) in the DNAH11 gene. It is expected to result in an absent or disrupted protein product. Loss-of-function variants in DNAH11 are known to be pathogenic (PMID: 18022865, 20513915, 22184204). This variant is present in population databases (rs771781357, gnomAD 0.002%). This variant has not been reported in the literature in individuals affected with DNAH11-related conditions. ClinVar contains an entry for this variant (Variation ID: 454719). For these reasons, this variant has been classified as Pathogenic.

Blueprint Genetics
Classification: Likely pathogenic for DNAH11-related disorders. Last evaluated: 2020-06-11. Review status: criteria provided, single submitter. Criteria: ACMG Guidelines, 2015. Collection method: clinical testing. Allele origin: germline. Affected: yes. Observed: 3 variant alleles.

Literature cited by the submitters: PubMed 18022865 (cited by Labcorp Genetics (formerly Invitae), Labcorp); PubMed 20513915 (cited by Labcorp Genetics (formerly Invitae), Labcorp); PubMed 22184204 (cited by Labcorp Genetics (formerly Invitae), Labcorp).

NM_001277115.2(DNAH11):c.9288dup (p.Glu3097fs)

Gene: DNAH11 (dynein axonemal heavy chain 11; plus strand). Cytogenetic location: 7p15.3.
Variant type: Duplication.
Coding change: c.9288dup on transcript NM_001277115.2 (MANE Select); coding-DNA position 9288, one base duplicated (A; older notation c.9288dupA).
Protein change: p.Glu3097fs; shifts the reading frame from glutamic acid 3097.
Molecular consequence: frameshift variant.
Genome position (GRCh38, 1-based): chr7:21,773,951, A duplicated; the last of 6 consecutive A bases (chr7:21,773,946-21,773,951); duplicating any one gives the same sequence. VCF-style (leftmost placement, unchanged base first): chr7-21773945-G-GA. GRCh37 (hg19) VCF-style: chr7-21813563-G-GA.
Other names: c.9288dupA (NM_001277115.1); short protein forms E3097fs.
Identifiers: ClinVar variation 454719 (VCV000454719.8), dbSNP rs771781357, ClinGen allele CA4181912.
Genomic context (GRCh38, chr7:21,773,945, plus strand): 5'-TCTAGAACAAATATCACTGTTTAAGAACCTGTTGAAGAAGAAGCAAAATGAGGTATCCGA[G>GA]AAAAAAGAACGCCTGGTGAACGGCATCCAAAAGCTAAAAACCACAGCCTCTCAGGTATGA-3'